The following is an entry in ClinVar:

NM_000071.3(CBS):c.978del (p.Ser326fs)

Gene: CBS (cystathionine beta-synthase; minus strand). Cytogenetic location: 21q22.3.
Variant type: Deletion.
Coding change: c.978del on transcript NM_000071.3 (MANE Select); coding-DNA position 978, one base deleted (C; older notation c.978delC).
Protein change: p.Ser326fs; shifts the reading frame from serine 326.
Molecular consequence: frameshift variant.
Genome position (GRCh38, 1-based): chr21:43,062,372, G deleted on the plus strand (C on the coding strand, the reverse complement: CBS is on the minus strand). VCF-style (leftmost placement, unchanged base first): chr21-43062371-TG-T. GRCh37 (hg19) VCF-style: chr21-44482481-TG-T.
Other names: c.978del, p.Ser326fs (NM_001178008.3, NM_001178009.3, NM_001320298.2); c.663del, p.Ser221fs (NM_001321072.1); c.978del (NM_000071.2); short protein forms S221fs, S326fs.
Identifiers: ClinVar variation 2680417 (VCV002680417.3), dbSNP rs2517425105, ClinGen allele CA2695201461.

ClinVar aggregate classification (germline): Pathogenic/Likely pathogenic. Review status: criteria provided, multiple submitters, no conflicts (2 of 4 stars). 3 submissions from 3 submitters: Pathogenic (1); Likely pathogenic (2). Last evaluated 2026-01-21.

Conditions:
Classic homocystinuria. Also called: Homocystinuria due to CBS deficiency; Cystathionine beta-synthase deficiency; CBS deficiency; Homocystinuria due to Cystathionine Beta-Synthase Deficiency; HOMOCYSTINURIA WITH OR WITHOUT RESPONSE TO PYRIDOXINE. Identifiers: Orphanet 394, MedGen C0751202, MONDO:0009352, OMIM 236200.

Submissions (3):

Myriad Genetics, Inc.
Classification: Pathogenic for Classic homocystinuria. Last evaluated: 2026-01-21. Review status: criteria provided, single submitter. Criteria: Myriad Autosomal Dominant, Autosomal Recessive and X-Linked Classification Criteria (2023). Collection method: clinical testing. Allele origin: unknown.
Comment: NM_000071.2(CBS):c.978delC(S326Rfs*13) is expected to be pathogenic in the context of homocystinuria, CBS-related. This variant is predicted to lead to an abnormal or absent protein product due to the creation of a premature termination codon in CBS, a gene where loss-of-function variants are known to be pathogenic. Please note: this variant was assessed in the context of healthy population screening.

Natera, Inc.
Classification: Likely pathogenic for Homocystinuria due to cystathionine beta-synthase deficiency. Last evaluated: 2024-08-02. Review status: criteria provided, single submitter. Criteria: Natera Variant Classification Schema (03/2026). Collection method: clinical testing. Allele origin: germline.
Comment: The c.978del variant in CBS is a frameshift variant predicted to shift the reading frame beginning at codon 326 and leads to a stop codon 13 codons downstream. This variant is expected to result in nonsense mediated decay, truncation, or a dysfunctional protein product. This variant is rare in the general population with a frequency below the threshold expected for the associated phenotype(s). Given the available evidence, this variant is classified as Likely Pathogenic.

Baylor Genetics
Classification: Likely pathogenic for Classic homocystinuria. Last evaluated: 2022-11-05. Review status: criteria provided, single submitter. Criteria: ACMG Guidelines, 2015. Collection method: clinical testing. Allele origin: unknown.